The following is an entry in ClinVar:

ClinVar aggregate classification (germline): Uncertain significance. Review status: criteria provided, multiple submitters, no conflicts (2 of 4 stars). 3 submissions from 3 submitters: Uncertain significance (3). Last evaluated 2025-09-30.

Conditions:
COL9A2-related disorder. Also called: COL9A2-related condition.

Submissions (3):

PreventionGenetics, part of Exact Sciences
Classification: Uncertain significance for COL9A2-related condition. Last evaluated: 2025-09-30. Review status: criteria provided, single submitter. Criteria: ACMG Guidelines, 2015. Collection method: clinical testing. Allele origin: germline.
Comment: The COL9A2 c.752A>G variant is predicted to result in the amino acid substitution p.Tyr251Cys. To our knowledge, this variant has not been reported in the literature or in a large population database (gnomAD), indicating this variant is rare. At this time, the clinical significance of this variant is uncertain due to the absence of conclusive functional and genetic evidence.

Labcorp Genetics (formerly Invitae), Labcorp
Classification: Uncertain significance. Last evaluated: 2025-08-03. Review status: criteria provided, single submitter. Criteria: Invitae Variant Classification Sherloc (09022015). Collection method: clinical testing. Allele origin: germline.
Comment: This sequence change replaces tyrosine, which is neutral and polar, with cysteine, which is neutral and slightly polar, at codon 251 of the COL9A2 protein (p.Tyr251Cys). This variant is not present in population databases (gnomAD no frequency). This variant has not been reported in the literature in individuals affected with COL9A2-related conditions. An algorithm developed to predict the effect of missense changes on protein structure and function (PolyPhen-2) suggests that this variant is likely to be disruptive. In summary, the available evidence is currently insufficient to determine the role of this variant in disease. Therefore, it has been classified as a Variant of Uncertain Significance.

Blueprint Genetics
Classification: Uncertain significance. Last evaluated: 2022-09-20. Review status: criteria provided, single submitter. Criteria: ACMG Guidelines, 2015. Collection method: clinical testing. Allele origin: germline.

NM_001852.4(COL9A2):c.752A>G (p.Tyr251Cys)

Gene: COL9A2 (collagen type IX alpha 2 chain; minus strand). Cytogenetic location: 1p34.2.
Variant type: single nucleotide variant.
Coding change: c.752A>G on transcript NM_001852.4 (MANE Select); coding-DNA position 752, A replaced by G.
Protein change: p.Tyr251Cys; replaces tyrosine 251 with cysteine.
Molecular consequence: missense variant.
Genome position (GRCh38, 1-based): chr1:40,310,151, T>C on the plus strand (A>G on the coding strand, the complement: COL9A2 is on the minus strand). VCF-style: chr1-40310151-T-C. GRCh37 (hg19) VCF-style: chr1-40775823-T-C.
Other names: c.752A>G (NM_001852.3); short protein forms Y251C.
Identifiers: ClinVar variation 4694079 (VCV004694079.3).